The following is an entry in ClinVar:

ClinVar aggregate classification (germline): Uncertain significance. Review status: criteria provided, multiple submitters, no conflicts (2 of 4 stars). 3 submissions from 3 submitters: Uncertain significance (3). Last evaluated 2024-12-02.

Conditions:
Joubert syndrome 17 (JBTS17). Identifiers: Orphanet 475, MedGen C3553264, MONDO:0013824, OMIM 614615.
Orofaciodigital syndrome type 6 (OFD6). Also called: OROFACIODIGITAL SYNDROME VI; OFDS VI; POLYDACTYLY, CLEFT LIP/PALATE OR LINGUAL LUMP, AND PSYCHOMOTOR RETARDATION; VARADI SYNDROME; VARADI-PAPP SYNDROME; Oral-facial-digital syndrome type 6. Identifiers: Orphanet 2754, MedGen C2745997, MONDO:0010176, OMIM 277170.

Allele frequency attached by ClinVar (database versions not stated): gnomAD 0.00001; gnomAD exomes 0.00001; TOPMed 0.00002.

Submissions (3):

Labcorp Genetics (formerly Invitae), Labcorp
Classification: Uncertain significance. Last evaluated: 2024-12-02. Review status: criteria provided, single submitter. Criteria: Invitae Variant Classification Sherloc (09022015). Collection method: clinical testing. Allele origin: germline.
Comment: This sequence change replaces cysteine, which is neutral and slightly polar, with glycine, which is neutral and non-polar, at codon 810 of the CPLANE1 protein (p.Cys810Gly). This variant is present in population databases (no rsID available, gnomAD 0.006%). This variant has not been reported in the literature in individuals affected with CPLANE1-related conditions. ClinVar contains an entry for this variant (Variation ID: 353458). Invitae Evidence Modeling of protein sequence and biophysical properties (such as structural, functional, and spatial information, amino acid conservation, physicochemical variation, residue mobility, and thermodynamic stability) indicates that this missense variant is not expected to disrupt CPLANE1 protein function with a negative predictive value of 95%. In summary, the available evidence is currently insufficient to determine the role of this variant in disease. Therefore, it has been classified as a Variant of Uncertain Significance.

Fulgent Genetics
Classification: Uncertain significance for Orofaciodigital syndrome type 6; Joubert syndrome 17. Last evaluated: 2022-02-10. Review status: criteria provided, single submitter. Criteria: ACMG Guidelines, 2015. Collection method: clinical testing. Allele origin: unknown.

Illumina Laboratory Services, Illumina
Classification: Uncertain significance for Joubert syndrome 17. Last evaluated: 2018-01-13. Review status: criteria provided, single submitter. Criteria: ICSL Variant Classification Criteria 13 December 2019. Collection method: clinical testing. Allele origin: germline.

NM_001384732.1(CPLANE1):c.2428T>G (p.Cys810Gly)

Gene: CPLANE1 (ciliogenesis and planar polarity effector complex subunit 1; minus strand). Cytogenetic location: 5p13.2.
Variant type: single nucleotide variant.
Coding change: c.2428T>G on transcript NM_001384732.1 (MANE Select); coding-DNA position 2428, T replaced by G.
Protein change: p.Cys810Gly; replaces cysteine 810 with glycine.
Molecular consequence: missense variant.
Genome position (GRCh38, 1-based): chr5:37,224,604, A>C on the plus strand (T>G on the coding strand, the complement: CPLANE1 is on the minus strand). VCF-style: chr5-37224604-A-C. GRCh37 (hg19) VCF-style: chr5-37224706-A-C.
Other names: c.2428T>G, p.Cys810Gly (NM_023073.4); short protein forms C810G.
Identifiers: ClinVar variation 353458 (VCV000353458.12), dbSNP rs886060581, ClinGen allele CA10621748.